The following is an entry in ClinVar:

NM_001384732.1(CPLANE1):c.7578C>T (p.Asp2526=)

Gene: CPLANE1 (ciliogenesis and planar polarity effector complex subunit 1; minus strand). Cytogenetic location: 5p13.2.
Variant type: single nucleotide variant.
Coding change: c.7578C>T on transcript NM_001384732.1 (MANE Select); coding-DNA position 7578, C replaced by T.
Protein change: p.Asp2526=; no amino-acid change (aspartic acid 2526 retained).
Molecular consequence: synonymous variant.
Genome position (GRCh38, 1-based): chr5:37,164,283, G>A on the plus strand (C>T on the coding strand, the complement: CPLANE1 is on the minus strand). VCF-style: chr5-37164283-G-A. GRCh37 (hg19) VCF-style: chr5-37164385-G-A.
Other names: c.7578C>T, p.Asp2526= (NM_023073.4).
Identifiers: ClinVar variation 1157482 (VCV001157482.34), dbSNP rs561079089, ClinGen allele CA3238021.

ClinVar aggregate classification (germline): Likely benign. Review status: criteria provided, multiple submitters, no conflicts (2 of 4 stars). 4 submissions from 4 submitters: Likely benign (4). Last evaluated 2025-11-27.

Conditions:
Orofaciodigital syndrome type 6 (OFD6). Also called: OROFACIODIGITAL SYNDROME VI; OFDS VI; POLYDACTYLY, CLEFT LIP/PALATE OR LINGUAL LUMP, AND PSYCHOMOTOR RETARDATION; VARADI SYNDROME; VARADI-PAPP SYNDROME; Oral-facial-digital syndrome type 6. Identifiers: Orphanet 2754, MedGen C2745997, MONDO:0010176, OMIM 277170.
Joubert syndrome 17 (JBTS17). Identifiers: Orphanet 475, MedGen C3553264, MONDO:0013824, OMIM 614615.

Allele frequency attached by ClinVar (database versions not stated): ExAC 0.00001; gnomAD exomes 0.00002; gnomAD 0.00004 and 0.00007; TOPMed 0.00005; 1000 Genomes Project 30x 0.00016; 1000 Genomes Project 0.00020.
gnomAD v4.1: 44 of 1,611,892 alleles (0.0027%); highest among the groups gnomAD compares: Middle Eastern, 0.017%; no homozygotes.

Submissions (4):

Labcorp Genetics (formerly Invitae), Labcorp
Classification: Likely benign. Last evaluated: 2025-11-27. Review status: criteria provided, single submitter. Criteria: Invitae Variant Classification Sherloc (09022015). Collection method: clinical testing. Allele origin: germline.

Blueprint Genetics
Classification: Likely benign. Last evaluated: 2024-08-01. Review status: criteria provided, single submitter. Criteria: ACMG Guidelines, 2015. Collection method: clinical testing. Allele origin: germline.

CeGaT Center for Human Genetics Tuebingen
Classification: Likely benign. Last evaluated: 2022-07-01. Review status: criteria provided, single submitter. Criteria: CeGaT Center For Human Genetics Tuebingen Variant Classification Criteria Version 2. Collection method: clinical testing. Allele origin: germline. Affected: yes. Observed: 1 variant allele.
Comment: CPLANE1: BP4, BP7

Fulgent Genetics
Classification: Likely benign for Orofaciodigital syndrome type 6; Joubert syndrome 17. Last evaluated: 2022-05-11. Review status: criteria provided, single submitter. Criteria: ACMG Guidelines, 2015. Collection method: clinical testing. Allele origin: unknown.